The following is an entry in ClinVar:

ClinVar aggregate classification (germline): Uncertain significance (1 of 4 stars; one submission).

Submission:

Labcorp Genetics (formerly Invitae), Labcorp
Classification: Uncertain significance. Last evaluated: 2024-09-29. Review status: criteria provided, single submitter. Criteria: Invitae Variant Classification Sherloc (09022015). Collection method: clinical testing. Allele origin: germline.
Comment: This sequence change replaces asparagine, which is neutral and polar, with serine, which is neutral and polar, at codon 823 of the COL4A3 protein (p.Asn823Ser). The frequency data for this variant in the population databases is considered unreliable, as metrics indicate poor data quality at this position in the gnomAD database. This variant has not been reported in the literature in individuals affected with COL4A3-related conditions. Invitae Evidence Modeling of protein sequence and biophysical properties (such as structural, functional, and spatial information, amino acid conservation, physicochemical variation, residue mobility, and thermodynamic stability) indicates that this missense variant is not expected to disrupt COL4A3 protein function with a negative predictive value of 95%. In summary, the available evidence is currently insufficient to determine the role of this variant in disease. Therefore, it has been classified as a Variant of Uncertain Significance.

NM_000091.5(COL4A3):c.2468A>G (p.Asn823Ser)

Genes: COL4A3 (collagen type IV alpha 3 chain; plus strand), MFF-DT (MFF divergent transcript; minus strand). Cytogenetic location: 2q36.3.
Variant type: single nucleotide variant.
Coding change: c.2468A>G on transcript NM_000091.5 (MANE Select); coding-DNA position 2468, A replaced by G.
Protein change: p.Asn823Ser; replaces asparagine 823 with serine.
Molecular consequence: missense variant.
Genome position (GRCh38, 1-based): chr2:227,280,986, A>G. VCF-style: chr2-227280986-A-G. GRCh37 (hg19) VCF-style: chr2-228145702-A-G.
Other names: short protein forms N823S.
Identifiers: ClinVar variation 3674030 (VCV003674030.2).